The following is an entry in ClinVar:

ClinVar aggregate classification (germline): Likely benign. Review status: criteria provided, multiple submitters, no conflicts (2 of 4 stars). 4 submissions from 4 submitters: Likely benign (3). 1 of the submissions does not count toward it. Last evaluated 2025-08-01.

Conditions:
DNAH2-related disorder. Also called: DNAH2-related condition.

Allele frequency attached by ClinVar (database versions not stated): 1000 Genomes Project 30x 0.00078; 1000 Genomes Project 0.00100; ESP Exome Variant Server 0.00169; TOPMed 0.00195; ExAC 0.00260; gnomAD exomes 0.00269 and 0.00308; gnomAD 0.00287 and 0.00299.
gnomAD v4.1: 4,897 of 1,613,426 alleles (0.3%); highest among the groups gnomAD compares: Non-Finnish European, 0.36%; 14 homozygotes.

Submissions (4):

CeGaT Center for Human Genetics Tuebingen
Classification: Likely benign. Last evaluated: 2025-08-01. Review status: criteria provided, single submitter. Criteria: CeGaT Center For Human Genetics Tuebingen Variant Classification Criteria Version 2. Collection method: clinical testing. Allele origin: germline. Affected: yes. Observed: 2 variant alleles.
Comment: DNAH2: PP2, BS2

Labcorp Genetics (formerly Invitae), Labcorp
Classification: Likely benign. Last evaluated: 2018-03-29. Review status: criteria provided, single submitter. Criteria: Invitae Variant Classification Sherloc (09022015). Collection method: clinical testing. Allele origin: germline.

Breakthrough Genomics
Classification: Likely benign. Review status: criteria provided, single submitter. Criteria: ACMG Guidelines, 2015. Collection method: not provided. Allele origin: germline. Inheritance: Autosomal recessive inheritance. Affected: yes.

PreventionGenetics, part of Exact Sciences
Classification: Likely benign for DNAH2-related condition. Last evaluated: 2020-01-06. Review status: no assertion criteria provided. Collection method: clinical testing. Allele origin: germline. Not counted in ClinVar's aggregate classification.
Comment: This variant is classified as likely benign based on ACMG/AMP sequence variant interpretation guidelines (Richards et al. 2015 PMID: 25741868, with internal and published modifications).

NM_020877.5(DNAH2):c.1546T>C (p.Tyr516His)

Gene: DNAH2 (dynein axonemal heavy chain 2; plus strand). Cytogenetic location: 17p13.1.
Variant type: single nucleotide variant.
Coding change: c.1546T>C on transcript NM_020877.5 (MANE Select); coding-DNA position 1546, T replaced by C.
Protein change: p.Tyr516His; replaces tyrosine 516 with histidine.
Molecular consequence: missense variant.
Genome position (GRCh38, 1-based): chr17:7,740,849, T>C. VCF-style: chr17-7740849-T-C. GRCh37 (hg19) VCF-style: chr17-7644167-T-C.
Other names: c.1792T>C, p.Tyr598His (NM_001303270.2); short protein forms Y516H, Y598H.
Identifiers: ClinVar variation 720824 (VCV000720824.27), dbSNP rs34511268, ClinGen allele CA8356187.